The following is an entry in ClinVar:

ClinVar aggregate classification (germline): Uncertain significance (1 of 4 stars; one submission).

Submission:

GeneDx
Classification: Uncertain significance. Last evaluated: 2024-04-07. Review status: criteria provided, single submitter. Criteria: GeneDx Variant Classification Process June 2021. Collection method: clinical testing. Allele origin: germline. Affected: yes.
Comment: Not observed at significant frequency in large population cohorts (gnomAD); In silico analysis indicates that this missense variant does not alter protein structure/function; Has not been previously published as pathogenic or benign to our knowledge

NM_014727.3(KMT2B):c.769G>A (p.Val257Ile)

Gene: KMT2B (lysine methyltransferase 2B; plus strand). Cytogenetic location: 19q13.12.
Variant type: single nucleotide variant.
Coding change: c.769G>A on transcript NM_014727.3 (MANE Select); coding-DNA position 769, G replaced by A.
Protein change: p.Val257Ile; replaces valine 257 with isoleucine.
Molecular consequence: missense variant.
Genome position (GRCh38, 1-based): chr19:35,720,116, G>A. VCF-style: chr19-35720116-G-A. GRCh37 (hg19) VCF-style: chr19-36211018-G-A.
Other names: short protein forms V257I.
Identifiers: ClinVar variation 3372169 (VCV003372169.1).
Genomic context (GRCh38, chr19:35,720,116, plus strand): 5'-GCAGTAGTGGTGGCAGAAGCAGCTGTGACAATCCCCAAACCTGAGCCCCCACCTCCTGTG[G>A]TTCCAGTGAAACATCAGACTGGCAGCTGGAAATGCAAGGAGGGGCCCGGTCCAGGACCTG-3'
Protein context (NP_055542.1, residues 247-267): IPKPEPPPPV[Val257Ile]PVKHQTGSWK